The following is an entry in ClinVar:

ClinVar aggregate classification (germline): Uncertain significance. Review status: criteria provided, multiple submitters, no conflicts (2 of 4 stars). 4 submissions from 4 submitters: Uncertain significance (4). Last evaluated 2026-01-02.

Conditions:
Ehlers-Danlos syndrome, classic type, 1 (EDSCL1). Also called: Ehlers-Danlos Syndrome, Classic Type, COL5A1-Related; EDS I; EHLERS-DANLOS SYNDROME, GRAVIS TYPE; EHLERS-DANLOS SYNDROME, SEVERE CLASSIC TYPE; Ehlers-Danlos syndrome, type 1. Identifiers: MedGen C0268335, MONDO:0019567, OMIM 130000.
Familial thoracic aortic aneurysm and aortic dissection (TAAD). Also called: Thoracic aortic aneurysms and dissections. Identifiers: Orphanet 91387, MedGen C4707243, MONDO:0019625.

gnomAD v4.1: 9 of 1,614,118 alleles (0.00056%); highest among the groups gnomAD compares: Non-Finnish European, 0.00068%; no homozygotes.

Submissions (4):

Ambry Genetics
Classification: Uncertain significance for Familial thoracic aortic aneurysm and aortic dissection. Last evaluated: 2026-01-02. Review status: criteria provided, single submitter. Criteria: Ambry Variant Classification Scheme 2023. Collection method: clinical testing. Allele origin: germline.
Comment: The p.H488P variant (also known as c.1463A>C), located in coding exon 23 of the COL5A2 gene, results from an A to C substitution at nucleotide position 1463. The histidine at codon 488 is replaced by proline, an amino acid with similar properties. This amino acid position is conserved. In addition, the in silico prediction for this alteration is inconclusive. Based on the available evidence, the clinical significance of this variant remains unclear.

CeGaT Center for Human Genetics Tuebingen
Classification: Uncertain significance. Last evaluated: 2025-12-01. Review status: criteria provided, single submitter. Criteria: CeGaT Center For Human Genetics Tuebingen Variant Classification Criteria Version 2. Collection method: clinical testing. Allele origin: germline. Affected: yes. Observed: 1 variant allele.
Comment: COL5A2: PP2, BP4

GeneDx
Classification: Uncertain significance. Last evaluated: 2024-01-22. Review status: criteria provided, single submitter. Criteria: GeneDx Variant Classification Process June 2021. Collection method: clinical testing. Allele origin: germline. Affected: yes.
Comment: Has not been previously published as pathogenic or benign to our knowledge; Not observed at significant frequency in large population cohorts (gnomAD); In silico analysis supports that this missense variant does not alter protein structure/function

Labcorp Genetics (formerly Invitae), Labcorp
Classification: Uncertain significance for Ehlers-Danlos syndrome, classic type, 1. Last evaluated: 2023-05-07. Review status: criteria provided, single submitter. Criteria: Invitae Variant Classification Sherloc (09022015). Collection method: clinical testing. Allele origin: germline.
Comment: ClinVar contains an entry for this variant (Variation ID: 1004652). This variant has not been reported in the literature in individuals affected with COL5A2-related conditions. This variant is present in population databases (rs149305351, gnomAD 0.0009%). This sequence change replaces histidine, which is basic and polar, with proline, which is neutral and non-polar, at codon 488 of the COL5A2 protein (p.His488Pro). Advanced modeling of protein sequence and biophysical properties (such as structural, functional, and spatial information, amino acid conservation, physicochemical variation, residue mobility, and thermodynamic stability) performed at Invitae indicates that this missense variant is not expected to disrupt COL5A2 protein function. In summary, the available evidence is currently insufficient to determine the role of this variant in disease. Therefore, it has been classified as a Variant of Uncertain Significance.

NM_000393.5(COL5A2):c.1463A>C (p.His488Pro)

Gene: COL5A2 (collagen type V alpha 2 chain; minus strand). Cytogenetic location: 2q32.2.
Variant type: single nucleotide variant.
Coding change: c.1463A>C on transcript NM_000393.5 (MANE Select); coding-DNA position 1463, A replaced by C.
Protein change: p.His488Pro; replaces histidine 488 with proline.
Molecular consequence: missense variant.
Genome position (GRCh38, 1-based): chr2:189,066,490, T>G on the plus strand (A>C on the coding strand, the complement: COL5A2 is on the minus strand). VCF-style: chr2-189066490-T-G. GRCh37 (hg19) VCF-style: chr2-189931216-T-G.
Other names: c.1463A>C (NM_000393.3); short protein forms H488P.
Identifiers: ClinVar variation 1004652 (VCV001004652.16), dbSNP rs149305351, ClinGen allele CA2022691.